The following is an entry in ClinVar:

ClinVar aggregate classification (germline): Uncertain significance. Review status: criteria provided, multiple submitters, no conflicts (2 of 4 stars). 4 submissions from 4 submitters: Uncertain significance (3). 1 of the submissions does not count toward it. Last evaluated 2025-06-04.

Conditions:
Inborn genetic diseases. Identifiers: MedGen C0950123, MeSH D030342.
Kostmann syndrome (SCN3). Also called: Autosomal recessive severe congenital neutropenia type 3; KOSTMANN DISEASE. Identifiers: Orphanet 99749, MedGen C5235141, MONDO:0012548, OMIM 610738.

Allele frequency attached by ClinVar (database versions not stated): gnomAD 0.00004; ExAC 0.00005; gnomAD exomes 0.00006 and 0.00011; TOPMed 0.00006; ESP Exome Variant Server 0.00015.
gnomAD v4.1: 157 of 1,612,860 alleles (0.0097%); highest among the groups gnomAD compares: Non-Finnish European, 0.013%; no homozygotes.

Submissions (4):

Labcorp Genetics (formerly Invitae), Labcorp
Classification: Uncertain significance for Kostmann syndrome. Last evaluated: 2025-06-04. Review status: criteria provided, single submitter. Criteria: Invitae Variant Classification Sherloc (09022015). Collection method: clinical testing. Allele origin: germline.
Comment: This sequence change replaces proline, which is neutral and non-polar, with threonine, which is neutral and polar, at codon 253 of the HAX1 protein (p.Pro253Thr). This variant is present in population databases (rs149721308, gnomAD 0.01%). This variant has not been reported in the literature in individuals affected with HAX1-related conditions. ClinVar contains an entry for this variant (Variation ID: 966471). An algorithm developed to predict the effect of missense changes on protein structure and function (PolyPhen-2) suggests that this variant is likely to be disruptive. In summary, the available evidence is currently insufficient to determine the role of this variant in disease. Therefore, it has been classified as a Variant of Uncertain Significance.

Ambry Genetics
Classification: Uncertain significance for Inborn genetic diseases. Last evaluated: 2024-10-02. Review status: criteria provided, single submitter. Criteria: Ambry Variant Classification Scheme 2023. Collection method: clinical testing. Allele origin: germline.
Comment: The p.P253T variant (also known as c.757C>A), located in coding exon 7 of the HAX1 gene, results from a C to A substitution at nucleotide position 757. The proline at codon 253 is replaced by threonine, an amino acid with highly similar properties. This amino acid position is conserved. In addition, this alteration is predicted to be tolerated by in silico analysis. Based on the available evidence, the clinical significance of this variant remains unclear.

CeGaT Center for Human Genetics Tuebingen
Classification: Uncertain significance. Last evaluated: 2023-12-01. Review status: criteria provided, single submitter. Criteria: CeGaT Center For Human Genetics Tuebingen Variant Classification Criteria Version 2. Collection method: clinical testing. Allele origin: germline. Affected: yes. Observed: 1 variant allele.
Comment: HAX1: PM2, BP4

Natera, Inc.
Classification: Uncertain significance for Autosomal recessive severe congenital neutropenia type 3. Last evaluated: 2020-02-13. Review status: no assertion criteria provided. Collection method: clinical testing. Allele origin: germline. Not counted in ClinVar's aggregate classification.

NM_006118.4(HAX1):c.757C>A (p.Pro253Thr)

Gene: HAX1 (HCLS1 associated protein X-1; plus strand). Cytogenetic location: 1q21.3.
Variant type: single nucleotide variant.
Coding change: c.757C>A on transcript NM_006118.4 (MANE Select); coding-DNA position 757, C replaced by A.
Protein change: p.Pro253Thr; replaces proline 253 with threonine.
Molecular consequence: missense variant.
Genome position (GRCh38, 1-based): chr1:154,275,618, C>A. VCF-style: chr1-154275618-C-A. GRCh37 (hg19) VCF-style: chr1-154248094-C-A.
Other names: c.613C>A, p.Pro205Thr (NM_001018837.2); short protein forms P253T, P205T.
Identifiers: ClinVar variation 966471 (VCV000966471.32), dbSNP rs149721308, ClinGen allele CA1127469.
Genomic context (GRCh38, chr1:154,275,618, plus strand): 5'-TTGCTTCTGCCTAGTCTCTTTCATTTAGCCTATTTACGTGTATGACTTTCTTCCTTAGAT[C>A]CAGAATCACCAAGACCTCCAGCCCTGGATGATGCCTTTTCCATCCTGGACTTATTCCTGG-3'
Protein context (NP_006109.2, residues 243-263): HEADSSPRGD[Pro253Thr]ESPRPPALDD